The following is an entry in ClinVar:

ClinVar aggregate classification (germline): Likely benign. Review status: criteria provided, multiple submitters, no conflicts (2 of 4 stars). 2 submissions from 2 submitters: Likely benign (2). Last evaluated 2017-04-27.

Conditions:
Combined oxidative phosphorylation defect type 7. Identifiers: Orphanet 254930, MedGen C3150801, MONDO:0013306, OMIM 613559.

Allele frequency attached by ClinVar (database versions not stated): gnomAD exomes 0.03911; gnomAD 0.04557 and 0.04799; TOPMed 0.05359; 1000 Genomes Project 30x 0.08745; 1000 Genomes Project 0.09325.
gnomAD v4.1: 8,239 of 174,618 alleles (4.7%); highest among the groups gnomAD compares: East Asian, 25%; 359 homozygotes.

Submissions (2):

Illumina Laboratory Services, Illumina
Classification: Likely benign for Combined oxidative phosphorylation defect type 7. Last evaluated: 2017-04-27. Review status: criteria provided, single submitter. Criteria: ICSL Variant Classification Criteria 13 December 2019. Collection method: clinical testing. Allele origin: germline.
Comment: This variant was observed as part of a predisposition screen in an ostensibly healthy population. A literature search was performed for the gene, cDNA change, and amino acid change (where applicable). No publications were found based on this search. Allele frequency data from public databases allowed determination this variant is unlikely to cause disease. Therefore, this variant is classified as likely benign.

Breakthrough Genomics
Classification: Likely benign. Review status: criteria provided, single submitter. Criteria: ACMG Guidelines, 2015. Collection method: not provided. Allele origin: germline. Inheritance: Autosomal recessive inheritance. Affected: yes.

NM_152269.5(MTRFR):c.*454A>C

Gene: MTRFR (mitochondrial translation release factor in rescue; plus strand). Cytogenetic location: 12q24.31.
Variant type: single nucleotide variant.
Coding change: c.*454A>C on transcript NM_152269.5 (MANE Select); 454 bases downstream of the stop codon, A replaced by C.
Molecular consequence: 3 prime UTR variant.
Genome position (GRCh38, 1-based): chr12:123,257,485, A>C. VCF-style: chr12-123257485-A-C. GRCh37 (hg19) VCF-style: chr12-123742032-A-C.
Other names: c.*454A>C (NM_001143905.2, NM_001194995.1).
Identifiers: ClinVar variation 307505 (VCV000307505.6), dbSNP rs76029248, ClinGen allele CA10640452.